The following is an entry in ClinVar:

NM_012463.4(ATP6V0A2):c.1507C>T (p.Leu503Phe)

Gene: ATP6V0A2 (ATPase H+ transporting V0 subunit a2; plus strand). Cytogenetic location: 12q24.31.
Variant type: single nucleotide variant.
Coding change: c.1507C>T on transcript NM_012463.4 (MANE Select); coding-DNA position 1507, C replaced by T.
Protein change: p.Leu503Phe; replaces leucine 503 with phenylalanine.
Molecular consequence: missense variant.
Genome position (GRCh38, 1-based): chr12:123,744,777, C>T. VCF-style: chr12-123744777-C-T. GRCh37 (hg19) VCF-style: chr12-124229324-C-T.
Other names: short protein forms L503F.
Identifiers: ClinVar variation 4279662 (VCV004279662.1).

ClinVar aggregate classification (germline): Uncertain significance (1 of 4 stars; one submission).

Conditions:
ATP6VOA2-related disorder.

gnomAD v4.1: 24 of 1,614,162 alleles (0.0015%); highest among the groups gnomAD compares: Non-Finnish European, 0.0015%; no homozygotes.

Submission:

Daryl Scott Lab, Baylor College of Medicine
Classification: Uncertain significance for ATP6VOA2-related disorder. Review status: criteria provided, single submitter. Criteria: ACMG Guidelines, 2015. Collection method: clinical testing. Allele origin: maternal. Affected: yes. Observed: 1 heterozygote.
Comment: PM2, BP4